The following is an entry in ClinVar:

ClinVar aggregate classification (germline): Likely benign (0 of 4 stars; one submission).

Conditions:
KISS1-related disorder. Also called: KISS1-related condition.

Allele frequency attached by ClinVar (database versions not stated): TOPMed 0.00008.
gnomAD v4.1: 26 of 1,585,476 alleles (0.0016%); highest among the groups gnomAD compares: African/African-American, 0.023%; no homozygotes.

Submission:

PreventionGenetics, part of Exact Sciences
Classification: Likely benign for KISS1-related condition. Last evaluated: 2019-03-06. Review status: no assertion criteria provided. Collection method: clinical testing. Allele origin: germline.
Comment: This variant is classified as likely benign based on ACMG/AMP sequence variant interpretation guidelines (Richards et al. 2015 PMID: 25741868, with internal and published modifications).

NM_002256.4(KISS1):c.240C>T (p.Ser80=)

Gene: KISS1 (KiSS-1 metastasis suppressor; minus strand). Cytogenetic location: 1q32.1.
Variant type: single nucleotide variant.
Coding change: c.240C>T on transcript NM_002256.4 (MANE Select); coding-DNA position 240, C replaced by T.
Protein change: p.Ser80=; no amino-acid change (serine 80 retained).
Molecular consequence: synonymous variant.
Genome position (GRCh38, 1-based): chr1:204,190,661, G>A on the plus strand (C>T on the coding strand, the complement: KISS1 is on the minus strand). VCF-style: chr1-204190661-G-A. GRCh37 (hg19) VCF-style: chr1-204159789-G-A.
Identifiers: ClinVar variation 3058712 (VCV003058712.2), dbSNP rs998730842, ClinGen allele CA35752203.